The following is an entry in ClinVar:

NM_000097.7(CPOX):c.556+1G>T

Gene: CPOX (coproporphyrinogen oxidase; minus strand). Cytogenetic location: 3q11.2.
Variant type: single nucleotide variant.
Coding change: c.556+1G>T on transcript NM_000097.7 (MANE Select); the canonical splice donor site of the intron after coding-DNA position 556, G replaced by T.
Molecular consequence: splice donor variant.
Genome position (GRCh38, 1-based): chr3:98,592,948, C>A on the plus strand (G>T on the coding strand, the complement: CPOX is on the minus strand). VCF-style: chr3-98592948-C-A. GRCh37 (hg19) VCF-style: chr3-98311792-C-A.
Identifiers: ClinVar variation 4984300 (VCV004984300.1).

ClinVar aggregate classification (germline): Likely pathogenic (1 of 4 stars; one submission).

Conditions:
CPOX-related disorder. Also called: CPOX-related disorders; CPOX-related condition.

Submission:

PreventionGenetics, part of Exact Sciences
Classification: Likely pathogenic for CPOX-related condition. Last evaluated: 2025-11-03. Review status: criteria provided, single submitter. Criteria: ACMG Guidelines, 2015. Collection method: clinical testing. Allele origin: germline.
Comment: The CPOX c.556+1G>T variant is predicted to disrupt the GT donor site and interfere with normal splicing. To our knowledge, this variant has not been reported in the literature or in a large population database (gnomAD), indicating this variant is rare. Variants that disrupt the consensus splice donor site in CPOX are expected to be pathogenic. This variant is interpreted as likely pathogenic.